The following is an entry in ClinVar:

ClinVar aggregate classification (germline): Uncertain significance (1 of 4 stars; one submission).

Allele frequency attached by ClinVar (database versions not stated): gnomAD 0.00001; TOPMed 0.00001.
gnomAD v4.1: 7 of 1,613,814 alleles (0.00043%); highest among the groups gnomAD compares: Non-Finnish European, 0.00059%; no homozygotes.

Submission:

Labcorp Genetics (formerly Invitae), Labcorp
Classification: Uncertain significance. Last evaluated: 2023-07-17. Review status: criteria provided, single submitter. Criteria: Invitae Variant Classification Sherloc (09022015). Collection method: clinical testing. Allele origin: germline.
Comment: This sequence change creates a premature translational stop signal (p.Trp170*) in the CLCC1 gene. It is expected to result in an absent or disrupted protein product. However, the current clinical and genetic evidence is not sufficient to establish whether loss-of-function variants in CLCC1 cause disease. This variant is present in population databases (no rsID available, gnomAD 0.0009%). In summary, the available evidence is currently insufficient to determine the role of this variant in disease. Therefore, it has been classified as a Variant of Uncertain Significance. This variant has not been reported in the literature in individuals affected with CLCC1-related conditions. ClinVar contains an entry for this variant (Variation ID: 1057767).

NM_001377458.1(CLCC1):c.510G>A (p.Trp170Ter)

Gene: CLCC1 (chloride channel CLIC like 1; minus strand). Cytogenetic location: 1p13.3.
Variant type: single nucleotide variant.
Coding change: c.510G>A on transcript NM_001377458.1 (MANE Select); coding-DNA position 510, G replaced by A.
Protein change: p.Trp170Ter; replaces tryptophan 170 with a stop codon.
Molecular consequence: nonsense. On other transcripts: non-coding transcript variant (1), intron variant (2).
Genome position (GRCh38, 1-based): chr1:108,943,887, C>T on the plus strand (G>A on the coding strand, the complement: CLCC1 is on the minus strand). VCF-style: chr1-108943887-C-T. GRCh37 (hg19) VCF-style: chr1-109486509-C-T.
Other names: c.510G>A, p.Trp170Ter (NM_001048210.3, NM_001377459.1, NM_001377460.1 and 8 more transcripts); c.408G>A, p.Trp136Ter (NM_001377469.1); c.219G>A, p.Trp73Ter (NM_001377470.1); c.360G>A, p.Trp120Ter (NM_015127.5); c.340-2389G>A (NM_001278202.2); c.339+3724G>A (NM_001278203.1); short protein forms W120*, W136*, W170*, W73*.
Identifiers: ClinVar variation 1057767 (VCV001057767.5), dbSNP rs990533610, ClinGen allele CA28589632.